The following is an entry in ClinVar:

NM_001458.5(FLNC):c.4662C>T (p.Ile1554=)

Gene: FLNC (filamin C; plus strand). Cytogenetic location: 7q32.1.
Variant type: single nucleotide variant.
Coding change: c.4662C>T on transcript NM_001458.5 (MANE Select); coding-DNA position 4662, C replaced by T.
Protein change: p.Ile1554=; no amino-acid change (isoleucine 1554 retained).
Molecular consequence: synonymous variant.
Genome position (GRCh38, 1-based): chr7:128,848,642, C>T. VCF-style: chr7-128848642-C-T. GRCh37 (hg19) VCF-style: chr7-128488696-C-T.
Other names: c.4662C>T, p.Ile1554= (NM_001127487.2).
Identifiers: ClinVar variation 472072 (VCV000472072.26), dbSNP rs374683306, ClinGen allele CA4475420.

ClinVar aggregate classification (germline): Likely benign. Review status: criteria provided, multiple submitters, no conflicts (2 of 4 stars). 4 submissions from 4 submitters: Likely benign (3). 1 of the submissions does not count toward it. Last evaluated 2026-01-05.

Conditions:
Myofibrillar myopathy 5. Also called: FILAMINOPATHY, AUTOSOMAL DOMINANT; Filaminopathy (type). Identifiers: Orphanet 171445, MedGen C1836050, MONDO:0012289, OMIM 609524.
Distal myopathy with posterior leg and anterior hand involvement. Also called: WILLIAMS DISTAL MYOPATHY. Identifiers: Orphanet 63273, MedGen C3279722, MONDO:0013550, OMIM 614065.
Hypertrophic cardiomyopathy 26. Also called: Cardiomyopathy, familial hypertrophic, 26. Identifiers: Orphanet 75249, MedGen C4310749, MONDO:0014883, OMIM 617047.
FLNC-related disorder. Also called: FLNC-related disorders; FLNC-related condition.
Cardiovascular phenotype. Identifiers: MedGen CN230736.

Allele frequency attached by ClinVar (database versions not stated): gnomAD 0.00002; TOPMed 0.00002; ESP Exome Variant Server 0.00008.
gnomAD v4.1: 27 of 1,613,490 alleles (0.0017%); highest among the groups gnomAD compares: Non-Finnish European, 0.0022%; no homozygotes.

Submissions (4):

Labcorp Genetics (formerly Invitae), Labcorp
Classification: Likely benign for Distal myopathy with posterior leg and anterior hand involvement; Myofibrillar myopathy 5; Hypertrophic cardiomyopathy 26. Last evaluated: 2026-01-05. Review status: criteria provided, single submitter. Criteria: Invitae Variant Classification Sherloc (09022015). Collection method: clinical testing. Allele origin: germline.

Blueprint Genetics
Classification: Likely benign. Last evaluated: 2024-10-22. Review status: criteria provided, single submitter. Criteria: ACMG Guidelines, 2015. Collection method: clinical testing. Allele origin: germline.

Ambry Genetics
Classification: Likely benign for Cardiovascular phenotype. Last evaluated: 2021-01-27. Review status: criteria provided, single submitter. Criteria: Ambry Variant Classification Scheme 2023. Collection method: clinical testing. Allele origin: germline.

PreventionGenetics, part of Exact Sciences
Classification: Likely benign for FLNC-related condition. Last evaluated: 2020-09-30. Review status: no assertion criteria provided. Collection method: clinical testing. Allele origin: germline. Not counted in ClinVar's aggregate classification.
Comment: This variant is classified as likely benign based on ACMG/AMP sequence variant interpretation guidelines (Richards et al. 2015 PMID: 25741868, with internal and published modifications).